The following is an entry in ClinVar:

NM_000092.5(COL4A4):c.2242G>A (p.Gly748Ser)

Gene: COL4A4 (collagen type IV alpha 4 chain; minus strand). Cytogenetic location: 2q36.3.
Variant type: single nucleotide variant.
Coding change: c.2242G>A on transcript NM_000092.5 (MANE Select); coding-DNA position 2242, G replaced by A.
Protein change: p.Gly748Ser; replaces glycine 748 with serine.
Molecular consequence: missense variant.
Genome position (GRCh38, 1-based): chr2:227,059,546, C>T on the plus strand (G>A on the coding strand, the complement: COL4A4 is on the minus strand). VCF-style: chr2-227059546-C-T. GRCh37 (hg19) VCF-style: chr2-227924262-C-T.
Other names: p.Gly748Ser; short protein forms G748S.
Identifiers: ClinVar variation 557121 (VCV000557121.54), dbSNP rs762139460, ClinGen allele CA2144855.
Genomic context (GRCh38, chr2:227,059,546, plus strand): 5'-CCAGGTGACCAAATGCAGGGTCTCCCGGGATTCCTTTCTGACCATTCACTCCTGGTGAGC[C>T]GGGAGGGCCTGGGGGCCCAACAGGGGAGGACCCCTTTTCACCTCCAAAACCCGGATCTCC-3'
Protein context (NP_000083.3, residues 738-758): SSPVGPPGPP[Gly748Ser]SPGVNGQKGI

ClinVar aggregate classification (germline): Conflicting classifications of pathogenicity. Review status: criteria provided, conflicting classifications (1 of 4 stars). 15 submissions from 14 submitters: Pathogenic (1); Likely pathogenic (10); Uncertain significance (3). 1 of the submissions does not count toward it. Last evaluated 2026-04-02.

Conditions:
COL4A4-related disorder.
Inborn genetic diseases. Identifiers: MedGen C0950123, MeSH D030342.
Autosomal recessive Alport syndrome (ATS2). Also called: ALPORT SYNDROME 2, AUTOSOMAL RECESSIVE; COL4A4 Alport Syndrome and Thin Basement Membrane Nephropathy; Alport syndrome type 2; COL4A3-Related Nephropathy. Identifiers: Orphanet 63, Orphanet 88919, MedGen C4746745, MONDO:0008762, OMIM 203780.
Hematuria, benign familial, 1 (BFH1). Also called: THIN MEMBRANE NEPHROPATHY. Identifiers: MedGen CN376803, MONDO:0007709, OMIM 141200.
Alport syndrome. Also called: Hemorrhagic familial nephritis; Hemorrhagic hereditary nephritis; Congenital hereditary hematuria. Identifiers: Orphanet 63, MedGen C1567741, MONDO:0018965.
Benign familial hematuria. Also called: thin basement membrane disease. Identifiers: MedGen C0241908, MONDO:0957317.

Allele frequency attached by ClinVar (database versions not stated): gnomAD exomes 0.00003 and 0.00002; ExAC 0.00004; gnomAD 0.00002; TOPMed 0.00003.
gnomAD v4.1: 33 of 1,613,958 alleles (0.002%); highest among the groups gnomAD compares: South Asian, 0.0044%; no homozygotes.

Submissions (15):

GeneDx
Classification: Uncertain significance. Last evaluated: 2026-04-02. Review status: criteria provided, single submitter. Criteria: GeneDx Variant Classification Process June 2021. Collection method: clinical testing. Allele origin: germline.
Comment: Affects a glycine residue in a Gly-X-Y motif in the triple helical region of the COL4A4 gene; In silico analysis supports that this missense variant has a deleterious effect on protein structure/function; This variant is associated with the following publications: (PMID: 31589614, 33391746, 33838161, 28632965, 36100708, 38972501)

Natera, Inc.
Classification: Likely pathogenic for Alport syndrome. Last evaluated: 2025-11-25. Review status: criteria provided, single submitter. Criteria: Natera Variant Classification Schema (03/2026). Collection method: clinical testing. Allele origin: germline.
Comment: The c.2242G>A variant in COL4A4 is a missense variant predicted to cause substitution of glycine to serine at amino acid 748. The frequency of this variant in the general population is greater than expected for disorder. This variant has been observed in affected individual(s) with monoallelic occurrence (heterozygous/hemizygous) (PMID: 33838161, 28632965). Additionally, this variant has been observed to segregate in affected family members (PMID: 33838161, 28632965). This variant is located in a functionally critical region of the protein. Computational prediction algorithms indicate this variant is likely to affect gene or protein function. Given the available evidence, this variant is classified as Likely Pathogenic.

Variantyx, Inc.
Classification: Likely pathogenic for Autosomal recessive Alport syndrome. Last evaluated: 2025-10-20. Review status: criteria provided, single submitter. Criteria: Variantyx Assertion Criteria 2022. Collection method: clinical testing. Allele origin: germline. Inheritance: Autosomal recessive inheritance.
Comment: This is a nonsynonymous variant in the COL4A4 gene (OMIM: 120131). Pathogenic variants in this gene have been associated with autosomal recessive COL4A4-related Alport spectrum. This variant has been reported in several. unrelated affected individuals (PMID: 28632965) (PS4_Moderate), and it has been observed to segregate with disease in at least 3 individuals from one family (PMID: 28632965) (PP1). Computational algorithms produce conflicting evidence regarding the predicted functional impact of this variant (REVEL score: 0.528), ho-wever, the alteration replaces a glycine residue in the repetitive Gly-X-Y sequence of the triple helical domain, which is expected to disrupt the structure of fibrillar collagen and is a common disease mechanism in collagenopathies (PMID: 35177655, 28098982) (PM1_Strong). This variant has a 0.0044% maximum allele frequency in non-founder control populations (PM2). Based on the current evidence, this variant is classified as likely pathogenic for autosomal recessive COL4A4-related Alport spectrum.Heterozygous carriers of pathogenic variants typically present with isolated, benign hematuria and penetrance is incomplete (PMID: 36090501, 30450445, 29551517, 20301386).

Institute of Human Genetics Munich, TUM University Hospital
Classification: Likely pathogenic for Hematuria, benign familial, 1. Last evaluated: 2025-07-30. Review status: criteria provided, single submitter. Criteria: Classification criteria August 2017. Collection method: clinical testing. Allele origin: germline. Inheritance: Autosomal dominant inheritance. Affected: yes. Observed: 1 variant allele.

Labcorp Genetics (formerly Invitae), Labcorp
Classification: Pathogenic. Last evaluated: 2025-07-30. Review status: criteria provided, single submitter. Criteria: Invitae Variant Classification Sherloc (09022015). Collection method: clinical testing. Allele origin: germline.
Comment: This sequence change replaces glycine, which is neutral and non-polar, with serine, which is neutral and polar, at codon 748 of the COL4A4 protein (p.Gly748Ser). This variant is present in population databases (rs762139460, gnomAD 0.01%). This missense change has been observed in individuals with COL4A4-related conditions (PMID: 28632965). It has also been observed to segregate with disease in related individuals. ClinVar contains an entry for this variant (Variation ID: 557121). Invitae Evidence Modeling of protein sequence and biophysical properties (such as structural, functional, and spatial information, amino acid conservation, physicochemical variation, residue mobility, and thermodynamic stability) indicates that this missense variant is expected to disrupt COL4A4 protein function with a positive predictive value of 95%. For these reasons, this variant has been classified as Pathogenic.

Mayo Clinic Laboratories, Mayo Clinic
Classification: Likely pathogenic. Last evaluated: 2025-06-26. Review status: criteria provided, single submitter. Criteria: ACMG Guidelines, 2015. Collection method: clinical testing. Allele origin: germline. Observed: 1 variant allele.
Comment: PP1, PP4, PM1_strong, PS4_supporting

Ambry Genetics
Classification: Likely pathogenic for Inborn genetic diseases. Last evaluated: 2024-12-11. Review status: criteria provided, single submitter. Criteria: Ambry Variant Classification Scheme 2023. Collection method: clinical testing. Allele origin: germline.
Comment: The c.2242G>A (p.G748S) alteration is located in exon 28 (coding exon 27) of the COL4A4 gene. This alteration results from a G to A substitution at nucleotide position 2242, causing the glycine (G) at amino acid position 748 to be replaced by a serine (S). Based on data from gnomAD, the A allele has an overall frequency of 0.003% (9/280758) total alleles studied. The highest observed frequency was 0.01% (1/10348) of Ashkenazi Jewish alleles. This variant was reported in individual(s) with features consistent with COL4A4-related Alport syndrome (Papazachariou, 2017; Furlano, 2021). This amino acid position is highly conserved in available vertebrate species. Based on internal structural analysis, the p.G748S variant disrupts the conserved Glycine, which is part of the Gly-Xaa-Yaa repeat motif (Mao, 2015; Gao, 2022). The in silico prediction for this alteration is inconclusive. Based on the available evidence, this alteration is classified as likely pathogenic.

Blueprint Genetics
Classification: Uncertain significance. Last evaluated: 2024-07-22. Review status: criteria provided, single submitter. Criteria: ACMG Guidelines, 2015. Collection method: clinical testing. Allele origin: germline.

Fulgent Genetics
Classification: Likely pathogenic for Hematuria, benign familial, 1; Autosomal recessive Alport syndrome. Last evaluated: 2024-05-14. Review status: criteria provided, single submitter. Criteria: ACMG Guidelines, 2015. Collection method: clinical testing. Allele origin: germline.

CeGaT Center for Human Genetics Tuebingen
Classification: Likely pathogenic. Last evaluated: 2023-08-01. Review status: criteria provided, single submitter. Criteria: CeGaT Center For Human Genetics Tuebingen Variant Classification Criteria Version 2. Collection method: clinical testing. Allele origin: germline. Affected: yes. Observed: 2 variant alleles.
Comment: COL4A4: PM1:Strong, PM2, PP1, PP3, PP4

Myriad Genetics, Inc.
Classification: Likely pathogenic for Alport syndrome. Last evaluated: 2023-07-24. Review status: criteria provided, single submitter. Criteria: Myriad Autosomal Dominant, Autosomal Recessive and X-Linked Classification Criteria (2023). Collection method: clinical testing. Allele origin: unknown.
Comment: NM_000092.4(COL4A4):c.2242G>A(G748S) is a missense variant classified as likely pathogenic in the context of COL4A4-related Alport syndrome. G748S has been observed in cases with relevant disease (PMID: 28632965, 33838161). Relevant functional assessments of this variant are not available in the literature. G748S has been observed in referenced population frequency databases. In summary, NM_000092.4(COL4A4):c.2242G>A(G748S) is a missense variant that has been observed more frequently in cases with the relevant disease than in healthy populations. Please note: this variant was assessed in the context of healthy population screening.

Fulgent Genetics
Classification: Likely pathogenic for Autosomal recessive Alport syndrome. Last evaluated: 2018-10-31. Review status: criteria provided, single submitter. Criteria: ACMG Guidelines, 2015. Collection method: clinical testing. Allele origin: unknown.

Baylor Genetics
Classification: Uncertain significance for Hematuria, benign familial, 1. Last evaluated: 2018-09-21. Review status: criteria provided, single submitter. Criteria: ACMG Guidelines, 2015. Collection method: clinical testing. Allele origin: unknown. Affected: yes.
Comment: This variant was determined to be of uncertain significance according to ACMG Guidelines, 2015 [PMID:25741868]. The c.2242G>A (p.G748S) variant was previously reported as heterozygous (without second allele) in five individuals from two unrelated families with familial microhematuria with or without focal segmental glomerulosclerosis [PMID 28632965]

Clinical Genetics Service, Universitary Hospital 12 de Octubre
Classification: Likely pathogenic for Autosomal recessive Alport syndrome; Hematuria, benign familial, 1. Review status: criteria provided, single submitter. Criteria: ACMG Guidelines, 2015. Collection method: clinical testing. Allele origin: germline. Affected: yes.

PreventionGenetics, part of Exact Sciences
Classification: Pathogenic for COL4A4-related condition. Last evaluated: 2024-06-10. Review status: no assertion criteria provided. Collection method: clinical testing. Allele origin: germline. Not counted in ClinVar's aggregate classification.
Comment: The COL4A4 c.2242G>A variant is predicted to result in the amino acid substitution p.Gly748Ser. The Gly748Ser variant affects a Gly residue of the conserved triple helical domain (residues 65 – 1459) of the COL4A4 protein. The majority of pathogenic variants in COL4A4 substitute a glycine residue to a bulkier amino acid in the triple-helical domain (Hudson et al. 1993. PubMed ID: 8253711). This variant was reported in two individuals with focal segmental glomerulosclerosis and was shown to segregate with disease in one family (Papazachariou et al 2017. PubMed ID: 28632965). At PreventionGenetics, we have observed this variant in the heterozygous state in four individuals with COL4A4-related phenotypes and it segregated with disease in one family (Internal Data). This variant is reported in 0.0097% of alleles in individuals of Ashkenazi Jewish descent in gnomAD. This variant is interpreted as pathogenic.

Literature cited by the submitters: PubMed 33838161 (cited by 4 submitters); PubMed 28632965 (cited by 7 submitters); PubMed 28098982 (cited by Variantyx, Inc.); PubMed 31589614 (cited by Mayo Clinic Laboratories, Mayo Clinic); PubMed 36100708 (cited by Mayo Clinic Laboratories, Mayo Clinic); PubMed 26610912 (cited by Ambry Genetics); PubMed 36699462 (cited by Ambry Genetics).